The following is an entry in ClinVar:

NM_001042492.3(NF1):c.4502A>T (p.Asp1501Val)

Gene: NF1 (neurofibromin 1; plus strand). Cytogenetic location: 17q11.2.
Variant type: single nucleotide variant.
Coding change: c.4502A>T on transcript NM_001042492.3 (MANE Select); coding-DNA position 4502, A replaced by T.
Protein change: p.Asp1501Val; replaces aspartic acid 1501 with valine.
Molecular consequence: missense variant.
Genome position (GRCh38, 1-based): chr17:31,260,440, A>T. VCF-style: chr17-31260440-A-T. GRCh37 (hg19) VCF-style: chr17-29587458-A-T.
Other names: c.4439A>T, p.Asp1480Val (NM_000267.4); short protein forms D1480V, D1501V.
Identifiers: ClinVar variation 3404929 (VCV003404929.1).

ClinVar aggregate classification (germline): Uncertain significance (1 of 4 stars; one submission).

Conditions:
Hereditary cancer-predisposing syndrome. Also called: Hereditary Cancer Syndrome; Tumor predisposition; Hereditary neoplastic syndrome; Neoplastic Syndromes, Hereditary. Identifiers: Orphanet 140162, MedGen C0027672, MeSH D009386, MONDO:0015356.
Cardiovascular phenotype. Identifiers: MedGen CN230736.

Submission:

Ambry Genetics
Classification: Uncertain significance for Cardiovascular phenotype; Hereditary cancer-predisposing syndrome. Last evaluated: 2024-11-21. Review status: criteria provided, single submitter. Criteria: Ambry Variant Classification Scheme 2023. Collection method: clinical testing. Allele origin: germline.
Comment: The p.D1480V variant (also known as c.4439A>T), located in coding exon 33 of the NF1 gene, results from an A to T substitution at nucleotide position 4439. The aspartic acid at codon 1480 is replaced by valine, an amino acid with highly dissimilar properties. This amino acid position is conserved. In addition, this alteration is predicted to be deleterious by in silico analysis. Based on the available evidence, the clinical significance of this variant remains unclear.